The following is an entry in ClinVar:

ClinVar aggregate classification (germline): Uncertain significance (1 of 4 stars; one submission).

Conditions:
Ataxia-telangiectasia syndrome (AT). Also called: ATAXIA-TELANGIECTASIA, COMPLEMENTATION GROUP A; ATAXIA-TELANGIECTASIA, FRESNO VARIANT; Ataxia-telangiectasia; Ataxia-telangiectasia, complementation group D; AT, COMPLEMENTATION GROUP C; Ataxia-telangiectasia, complementation group E. Identifiers: Orphanet 100, MedGen C0004135, MONDO:0008840, OMIM 208900.

Allele frequency attached by ClinVar (database versions not stated): gnomAD 0.00001; TOPMed 0.00002.

Submission:

Illumina Laboratory Services, Illumina
Classification: Uncertain significance for Ataxia-telangiectasia syndrome. Last evaluated: 2017-04-27. Review status: criteria provided, single submitter. Criteria: ICSL Variant Classification Criteria 13 December 2019. Collection method: clinical testing. Allele origin: germline.
Comment: This variant was observed as part of a predisposition screen in an ostensibly healthy population. A literature search was performed for the gene, cDNA change, and amino acid change (where applicable). Publications were found based on this search. However, the evidence from the literature, in combination with allele frequency data from public databases where available, was not sufficient to rule this variant in or out of causing disease. Therefore, this variant is classified as a variant of unknown significance.

Literature cited by the submitters: PubMed 10425038.

NM_000051.3(ATM):c.-174A>C

Genes: ATM (ATM serine/threonine kinase; plus strand), LOC130006700 (ATAC-STARR-seq lymphoblastoid active region 5484; plus strand). Cytogenetic location: 11q22.3.
Variant type: single nucleotide variant.
Coding change: c.-174A>C on transcript NM_000051.3; 174 bases upstream of the start codon, A replaced by C.
Genome position (GRCh38, 1-based): chr11:108,223,043, A>C. VCF-style: chr11-108223043-A-C. GRCh37 (hg19) VCF-style: chr11-108093770-A-C.
Identifiers: ClinVar variation 880418 (VCV000880418.6), dbSNP rs928618464, ClinGen allele CA228364379.
Genomic context (GRCh38, chr11:108,223,043, plus strand): 5'-GTGCTCTGCGGCTGCTTGGCGTTGCTTCTTCCTCCAGAAGTGGGCGCTGGGCAGTCACGC[A>C]GGGTTTGAACCGGAAGCGGGAGTAGGTAGCTGCGTGGCTAACGGAGAAAAGAAGCCGTGG-3'